The following is an entry in ClinVar:

NM_007078.3(LDB3):c.892T>G (p.Ser298Ala)

Gene: LDB3 (LIM domain binding 3; plus strand). Cytogenetic location: 10q23.2.
Variant type: single nucleotide variant.
Coding change: c.892T>G on transcript NM_007078.3 (MANE Select); coding-DNA position 892, T replaced by G.
Protein change: p.Ser298Ala; replaces serine 298 with alanine.
Molecular consequence: missense variant.
Genome position (GRCh38, 1-based): chr10:86,692,567, T>G. VCF-style: chr10-86692567-T-G. GRCh37 (hg19) VCF-style: chr10-88452324-T-G.
Other names: c.751T>G, p.Ser251Ala (NM_001080114.2, NM_001368066.1, NM_001368067.1 and 2 more transcripts); c.892T>G, p.Ser298Ala (NM_001080115.2, NM_001368063.1, NM_001368064.1 and 1 more transcripts); c.1096T>G, p.Ser366Ala (NM_001171610.2, NM_001171611.2); c.892T>G (NM_007078.2); short protein forms S366A, S251A, S298A.
Identifiers: ClinVar variation 951365 (VCV000951365.10), dbSNP rs953198544, ClinGen allele CA211185668.

ClinVar aggregate classification (germline): Uncertain significance. Review status: criteria provided, multiple submitters, no conflicts (2 of 4 stars). 3 submissions from 3 submitters: Uncertain significance (3). Last evaluated 2026-05-05.

Conditions:
Cardiovascular phenotype. Identifiers: MedGen CN230736.
Myofibrillar myopathy 4. Also called: Zaspopathy (type). Identifiers: Orphanet 98912, MedGen C4721886, MONDO:0012277, OMIM 609452.

Allele frequency attached by ClinVar (database versions not stated): TOPMed 0.00001; gnomAD 0.00001; gnomAD exomes below 0.00001.
gnomAD v4.1: 17 of 1,614,026 alleles (0.0011%); highest among the groups gnomAD compares: Non-Finnish European, 0.0014%; no homozygotes.

Submissions (3):

Ambry Genetics
Classification: Uncertain significance for Cardiovascular phenotype. Last evaluated: 2026-05-05. Review status: criteria provided, single submitter. Criteria: Ambry Variant Classification Scheme 2023. Collection method: clinical testing. Allele origin: germline.
Comment: The p.S298A variant (also known as c.892T>G), located in coding exon 6 of the LDB3 gene, results from a T to G substitution at nucleotide position 892. The serine at codon 298 is replaced by alanine, an amino acid with similar properties. This variant was reported in an ostensibly healthy control cohort (Mazzarotto F et al. Circulation, 2020 Feb;141:387-398). This amino acid position is well conserved in available vertebrate species. In addition, the in silico prediction for this alteration is inconclusive. Based on the available evidence, the clinical significance of this variant remains unclear.

Labcorp Genetics (formerly Invitae), Labcorp
Classification: Uncertain significance for Myofibrillar myopathy 4. Last evaluated: 2024-06-11. Review status: criteria provided, single submitter. Criteria: Invitae Variant Classification Sherloc (09022015). Collection method: clinical testing. Allele origin: germline.
Comment: This sequence change replaces serine, which is neutral and polar, with alanine, which is neutral and non-polar, at codon 251 of the LDB3 protein (p.Ser251Ala). This variant is present in population databases (no rsID available, gnomAD 0.0009%). This variant has not been reported in the literature in individuals affected with LDB3-related conditions. ClinVar contains an entry for this variant (Variation ID: 951365). An algorithm developed to predict the effect of missense changes on protein structure and function (PolyPhen-2) suggests that this variant is likely to be tolerated. In summary, the available evidence is currently insufficient to determine the role of this variant in disease. Therefore, it has been classified as a Variant of Uncertain Significance.

Women's Health and Genetics/Laboratory Corporation of America, LabCorp
Classification: Uncertain significance. Last evaluated: 2022-12-17. Review status: criteria provided, single submitter. Criteria: LabCorp Variant Classification Summary - May 2015. Collection method: clinical testing. Allele origin: germline.

Literature cited by the submitters: PubMed 31983221 (cited by Ambry Genetics).